The following is an entry in ClinVar:

NM_001079843.3(CASZ1):c.3710G>A (p.Arg1237Gln)

Gene: CASZ1 (castor zinc finger 1; minus strand). Cytogenetic location: 1p36.22.
Variant type: single nucleotide variant.
Coding change: c.3710G>A on transcript NM_001079843.3 (MANE Select); coding-DNA position 3710, G replaced by A.
Protein change: p.Arg1237Gln; replaces arginine 1237 with glutamine.
Molecular consequence: missense variant.
Genome position (GRCh38, 1-based): chr1:10,645,075, C>T on the plus strand (G>A on the coding strand, the complement: CASZ1 is on the minus strand). VCF-style: chr1-10645075-C-T. GRCh37 (hg19) VCF-style: chr1-10705132-C-T.
Other names: short protein forms R1237Q.
Identifiers: ClinVar variation 4799687 (VCV004799687.1).
Genomic context (GRCh38, chr1:10,645,075, plus strand): 5'-GTGGTGATGTTGGTCACAAAATAGCAGCCGGTGCGGAGGCAGTGGTAGTGCCCACGCATT[C>T]GGAACTCGCAGTGCTGCAGGGAGACACGGGAGGGTCAGGACAGGCGGGTGACTTTCAAGA-3'
Protein context (NP_001073312.1, residues 1227-1247): CLCPNQHCEF[Arg1237Gln]MRGHYHCLRT

ClinVar aggregate classification (germline): Uncertain significance (1 of 4 stars; one submission).

gnomAD v4.1: 57 of 1,613,726 alleles (0.0035%); highest among the groups gnomAD compares: Admixed American, 0.027%; no homozygotes.

Submission:

Labcorp Genetics (formerly Invitae), Labcorp
Classification: Uncertain significance. Last evaluated: 2025-02-11. Review status: criteria provided, single submitter. Criteria: Invitae Variant Classification Sherloc (09022015). Collection method: clinical testing. Allele origin: germline.
Comment: This sequence change replaces arginine, which is basic and polar, with glutamine, which is neutral and polar, at codon 1237 of the CASZ1 protein (p.Arg1237Gln). This variant is present in population databases (rs201373213, gnomAD 0.02%). This variant has not been reported in the literature in individuals affected with CASZ1-related conditions. An algorithm developed to predict the effect of missense changes on protein structure and function (PolyPhen-2) suggests that this variant is likely to be disruptive. In summary, the available evidence is currently insufficient to determine the role of this variant in disease. Therefore, it has been classified as a Variant of Uncertain Significance.